The following is an entry in ClinVar:

NM_002528.7(NTHL1):c.693C>A (p.Asp231Glu)

Gene: NTHL1 (nth like DNA glycosylase 1; minus strand). Cytogenetic location: 16p13.3.
Variant type: single nucleotide variant.
Coding change: c.693C>A on transcript NM_002528.7 (MANE Select); coding-DNA position 693, C replaced by A.
Protein change: p.Asp231Glu; replaces aspartic acid 231 with glutamic acid.
Molecular consequence: missense variant.
Genome position (GRCh38, 1-based): chr16:2,040,231, G>T on the plus strand (C>A on the coding strand, the complement: NTHL1 is on the minus strand). VCF-style: chr16-2040231-G-T. GRCh37 (hg19) VCF-style: chr16-2090232-G-T.
Other names: c.693C>A, p.Asp231Glu (LRG_1366t1); c.522C>A, p.Asp174Glu (NM_001318193.2); c.363C>A, p.Asp121Glu (NM_001318194.2); c.717C>A (NM_002528.5); short protein forms D174E, D121E, D231E.
Identifiers: ClinVar variation 664760 (VCV000664760.14), dbSNP rs750490014, ClinGen allele CA394289361.

ClinVar aggregate classification (germline): Uncertain significance. Review status: criteria provided, multiple submitters, no conflicts (2 of 4 stars). 3 submissions from 3 submitters: Uncertain significance (3). Last evaluated 2025-08-03.

Conditions:
Hereditary cancer-predisposing syndrome. Also called: Tumor predisposition; Neoplastic Syndromes, Hereditary; Hereditary Cancer Syndrome; Hereditary neoplastic syndrome. Identifiers: Orphanet 140162, MedGen C0027672, MeSH D009386, MONDO:0015356.
Familial adenomatous polyposis 3. Also called: NTHL1-Related Adenomatous Polyposis and Colorectal Cancer; NTHL1-associated polyposis; NTHL1-related attenuated familial adenomatous polyposis; NTHL1 Tumor Syndrome. Identifiers: Orphanet 220460, Orphanet 454840, MedGen C4225157, MONDO:0014630, OMIM 616415.

Submissions (3):

Ambry Genetics
Classification: Uncertain significance for Hereditary cancer-predisposing syndrome. Last evaluated: 2025-08-03. Review status: criteria provided, single submitter. Criteria: Ambry Variant Classification Scheme 2023. Collection method: clinical testing. Allele origin: germline.
Comment: The p.D239E variant (also known as c.717C>A), located in coding exon 5 of the NTHL1 gene, results from a C to A substitution at nucleotide position 717. The aspartic acid at codon 239 is replaced by glutamic acid, an amino acid with highly similar properties. This amino acid position is conserved. In addition, this alteration is predicted to be deleterious by in silico analysis. Since supporting evidence is limited at this time, the clinical significance of this alteration remains unclear.

Labcorp Genetics (formerly Invitae), Labcorp
Classification: Uncertain significance. Last evaluated: 2023-09-01. Review status: criteria provided, single submitter. Criteria: Invitae Variant Classification Sherloc (09022015). Collection method: clinical testing. Allele origin: germline.
Comment: In summary, the available evidence is currently insufficient to determine the role of this variant in disease. Therefore, it has been classified as a Variant of Uncertain Significance. An algorithm developed to predict the effect of missense changes on protein structure and function (PolyPhen-2) suggests that this variant is likely to be disruptive. ClinVar contains an entry for this variant (Variation ID: 664760). This variant has not been reported in the literature in individuals affected with NTHL1-related conditions. This variant is not present in population databases (gnomAD no frequency). This sequence change replaces aspartic acid, which is acidic and polar, with glutamic acid, which is acidic and polar, at codon 239 of the NTHL1 protein (p.Asp239Glu).

Baylor Genetics
Classification: Uncertain significance for Familial adenomatous polyposis 3. Last evaluated: 2023-06-05. Review status: criteria provided, single submitter. Criteria: ACMG Guidelines, 2015. Collection method: clinical testing. Allele origin: unknown.